The following is an entry in ClinVar:

ClinVar aggregate classification (germline): Uncertain significance (1 of 4 stars; one submission).

Submission:

Labcorp Genetics (formerly Invitae), Labcorp
Classification: Uncertain significance. Last evaluated: 2025-05-07. Review status: criteria provided, single submitter. Criteria: Invitae Variant Classification Sherloc (09022015). Collection method: clinical testing. Allele origin: germline.
Comment: This sequence change replaces glycine, which is neutral and non-polar, with tryptophan, which is neutral and slightly polar, at codon 2505 of the HMCN1 protein (p.Gly2505Trp). This variant also falls at the last nucleotide of exon 48, which is part of the consensus splice site for this exon. This variant is not present in population databases (gnomAD no frequency). This variant has not been reported in the literature in individuals affected with HMCN1-related conditions. An algorithm developed to predict the effect of missense changes on protein structure and function (PolyPhen-2) suggests that this variant is likely to be disruptive. Variants that disrupt the consensus splice site are a relatively common cause of aberrant splicing (PMID: 17576681, 9536098). Algorithms developed to predict the effect of sequence changes on RNA splicing suggest that this variant may disrupt the consensus splice site. In summary, the available evidence is currently insufficient to determine the role of this variant in disease. Therefore, it has been classified as a Variant of Uncertain Significance.

Literature cited by the submitters: PubMed 17576681; PubMed 9536098.

NM_031935.3(HMCN1):c.7513G>T (p.Gly2505Trp)

Gene: HMCN1 (hemicentin 1; plus strand). Cytogenetic location: 1q31.1.
Variant type: single nucleotide variant.
Coding change: c.7513G>T on transcript NM_031935.3 (MANE Select); coding-DNA position 7513, G replaced by T.
Protein change: p.Gly2505Trp; replaces glycine 2505 with tryptophan.
Molecular consequence: missense variant.
Genome position (GRCh38, 1-based): chr1:186,062,600, G>T. VCF-style: chr1-186062600-G-T. GRCh37 (hg19) VCF-style: chr1-186031732-G-T.
Other names: short protein forms G2505W.
Identifiers: ClinVar variation 4761771 (VCV004761771.1).